The following is an entry in ClinVar:

NM_000548.5(TSC2):c.1242T>A (p.Cys414Ter)

Gene: TSC2 (TSC complex subunit 2; plus strand). Cytogenetic location: 16p13.3.
Variant type: single nucleotide variant.
Coding change: c.1242T>A on transcript NM_000548.5 (MANE Select); coding-DNA position 1242, T replaced by A.
Protein change: p.Cys414Ter; replaces cysteine 414 with a stop codon.
Molecular consequence: nonsense. On other transcripts: 5 prime UTR variant (10), non-coding transcript variant (5).
Genome position (GRCh38, 1-based): chr16:2,061,993, T>A. VCF-style: chr16-2061993-T-A. GRCh37 (hg19) VCF-style: chr16-2111994-T-A.
Other names: c.1230T>A, p.Cys410Ter (NM_001406671.1, NM_001406673.1); c.1095T>A, p.Cys365Ter (NM_001406675.1, NM_001406676.1, NM_001406679.1 and 1 more transcripts); c.1185T>A, p.Cys395Ter (NM_001406677.1); c.1131T>A, p.Cys377Ter (NM_001406678.1, NM_001318827.2, NM_001406670.1); c.642T>A, p.Cys214Ter (NM_001406680.1, NM_001406682.1, NM_001318831.2 and 6 more transcripts); c.780T>A, p.Cys260Ter (NM_001406681.1); c.-103T>A (NM_001406696.1, NM_001406697.1, NM_001406689.1 and 4 more transcripts); c.-279T>A (NM_001406698.1); and 4 more; short protein forms C214*, C260*, C444*, C425*, C365*, C377*, C395*, C410*.
Identifiers: ClinVar variation 3672893 (VCV003672893.2).

ClinVar aggregate classification (germline): Pathogenic (1 of 4 stars; one submission).

Conditions:
Tuberous sclerosis 2 (TSC2). Identifiers: Orphanet 805, MedGen C1860707, MONDO:0013199, OMIM 613254.

Submission:

Labcorp Genetics (formerly Invitae), Labcorp
Classification: Pathogenic for Tuberous sclerosis 2. Last evaluated: 2024-05-13. Review status: criteria provided, single submitter. Criteria: Invitae Variant Classification Sherloc (09022015). Collection method: clinical testing. Allele origin: germline.
Comment: This sequence change creates a premature translational stop signal (p.Cys414*) in the TSC2 gene. It is expected to result in an absent or disrupted protein product. Loss-of-function variants in TSC2 are known to be pathogenic (PMID: 10205261, 17304050). This variant is not present in population databases (gnomAD no frequency). This variant has not been reported in the literature in individuals affected with TSC2-related conditions. For these reasons, this variant has been classified as Pathogenic.

Literature cited by the submitters: PubMed 10205261; PubMed 17304050.